The following is an entry in ClinVar:

ClinVar aggregate classification (germline): Likely benign (0 of 4 stars; one submission).

Conditions:
COL18A1-related disorder. Also called: COL18A1-related condition; COL18A1-related disorders.

Submission:

PreventionGenetics, part of Exact Sciences
Classification: Likely benign for COL18A1-related condition. Last evaluated: 2024-06-20. Review status: no assertion criteria provided. Collection method: clinical testing. Allele origin: germline.
Comment: This variant is classified as likely benign based on ACMG/AMP sequence variant interpretation guidelines (Richards et al. 2015 PMID: 25741868, with internal and published modifications).

NM_001379500.1(COL18A1):c.3759G>A (p.Gly1253=)

Genes: COL18A1 (collagen type XVIII alpha 1 chain; plus strand), SLC19A1 (solute carrier family 19 member 1; minus strand). Cytogenetic location: 21q22.3.
Variant type: single nucleotide variant.
Coding change: c.3759G>A on transcript NM_001379500.1 (MANE Select); coding-DNA position 3759, G replaced by A.
Protein change: p.Gly1253=; no amino-acid change (glycine 1253 retained).
Molecular consequence: synonymous variant.
Genome position (GRCh38, 1-based): chr21:45,511,176, G>A. VCF-style: chr21-45511176-G-A. GRCh37 (hg19) VCF-style: chr21-46931090-G-A.
Other names: c.4290G>A, p.Gly1430= (NM_030582.4); c.4995G>A, p.Gly1665= (NM_130444.3).
Identifiers: ClinVar variation 3352324 (VCV003352324.1).
Genomic context (GRCh38, chr21:45,511,176, plus strand): 5'-GCTGCTGTTTCCCAGCTGGGAGGCTCTGTTCTCAGGCTCTGAGGGTCCGCTGAAGCCCGG[G>A]GCACGCATCTTCTCCTTTGACGGCAAGGACGTCCTGAGGCACCCCACCTGGTAGGTTCCC-3'
Protein context (NP_001366429.1, residues 1243-1263): FSGSEGPLKP[Gly1253=]ARIFSFDGKD